The following is an entry in ClinVar:

ClinVar aggregate classification (germline): Conflicting classifications of pathogenicity. Review status: criteria provided, conflicting classifications (1 of 4 stars). 2 submissions from 2 submitters: Uncertain significance (1); Likely benign (1). Last evaluated 2024-05-06.

Conditions:
Autosomal dominant nocturnal frontal lobe epilepsy 5. Also called: KCNT1-Related Epilepsy; CILIARY DYSKINESIA, PRIMARY, 28, WITHOUT SITUS INVERSUS; CILIARY DYSKINESIA, PRIMARY, 28, WITH SITUS INVERSUS; Epilepsy, nocturnal frontal lobe, 5. Identifiers: Orphanet 98784, MedGen C3554306, MONDO:0014002, OMIM 615005.
Developmental and epileptic encephalopathy, 14 (DEE14). Also called: Early infantile epileptic encephalopathy 14. Identifiers: Orphanet 293181, MedGen C3554195, MONDO:0013989, OMIM 614959.

Allele frequency attached by ClinVar (database versions not stated): ExAC below 0.00001; gnomAD exomes 0.00001; TOPMed 0.00003.
gnomAD v4.1: 21 of 1,553,900 alleles (0.0014%); highest among the groups gnomAD compares: South Asian, 0.0095%; no homozygotes.

Submissions (2):

Labcorp Genetics (formerly Invitae), Labcorp
Classification: Uncertain significance for Autosomal dominant nocturnal frontal lobe epilepsy 5; Developmental and epileptic encephalopathy, 14. Last evaluated: 2024-05-06. Review status: criteria provided, single submitter. Criteria: Invitae Variant Classification Sherloc (09022015). Collection method: clinical testing. Allele origin: germline.
Comment: This sequence change replaces serine, which is neutral and polar, with leucine, which is neutral and non-polar, at codon 732 of the KCNT1 protein (p.Ser732Leu). The frequency data for this variant in the population databases is considered unreliable, as metrics indicate poor data quality at this position in the gnomAD database. This variant has not been reported in the literature in individuals affected with KCNT1-related conditions. ClinVar contains an entry for this variant (Variation ID: 1036350). Advanced modeling of protein sequence and biophysical properties (such as structural, functional, and spatial information, amino acid conservation, physicochemical variation, residue mobility, and thermodynamic stability) performed at Invitae indicates that this missense variant is not expected to disrupt KCNT1 protein function with a negative predictive value of 80%. In summary, the available evidence is currently insufficient to determine the role of this variant in disease. Therefore, it has been classified as a Variant of Uncertain Significance.

Centre for Medical Genetics,  Mumbai
Classification: Likely benign for Autosomal dominant nocturnal frontal lobe epilepsy 5. Last evaluated: 2023-09-21. Review status: criteria provided, single submitter. Criteria: ACMG Guidelines, 2015. Collection method: provider interpretation. Allele origin: germline. Inheritance: Autosomal dominant inheritance. Affected: no. Observed: 1 variant allele, 1 heterozygote.
Comment: The variant satisfies PM2 criteria; Extremely low frequency in gnomAD population databases. However, the variant satisfies BS2 criteria.

Literature cited by the submitters: PubMed 23086396 (cited by Centre for Medical Genetics,  Mumbai).

NM_020822.3(KCNT1):c.2195C>T (p.Ser732Leu)

Gene: KCNT1 (potassium sodium-activated channel subfamily T member 1; plus strand). Cytogenetic location: 9q34.3.
Variant type: single nucleotide variant.
Coding change: c.2195C>T on transcript NM_020822.3 (MANE Select); coding-DNA position 2195, C replaced by T.
Protein change: p.Ser732Leu; replaces serine 732 with leucine.
Molecular consequence: missense variant.
Genome position (GRCh38, 1-based): chr9:135,772,901, C>T. VCF-style: chr9-135772901-C-T. GRCh37 (hg19) VCF-style: chr9-138664747-C-T.
Other names: c.2060C>T, p.Ser687Leu (NM_001272003.2); short protein forms S687L, S732L.
Identifiers: ClinVar variation 1036350 (VCV001036350.10), dbSNP rs774281111, ClinGen allele CA5327203.